The following is an entry in ClinVar:

NM_182977.3(NNT):c.1607-8C>A

Gene: NNT (nicotinamide nucleotide transhydrogenase; plus strand). Cytogenetic location: 5p12.
Variant type: single nucleotide variant.
Coding change: c.1607-8C>A on transcript NM_182977.3 (MANE Select); 8 bases into the intron before coding-DNA position 1607, C replaced by A.
Molecular consequence: intron variant.
Genome position (GRCh38, 1-based): chr5:43,650,469, C>A. VCF-style: chr5-43650469-C-A. GRCh37 (hg19) VCF-style: chr5-43650571-C-A.
Other names: c.1607-8C>A (NM_012343.4); c.1214-8C>A (NM_001331026.2).
Identifiers: ClinVar variation 3038303 (VCV003038303.2), dbSNP rs769982417, ClinGen allele CA3258026.
Genomic context (GRCh38, chr5:43,650,469, plus strand): 5'-CTTCAGCTATGATATTTGATTTGGTGGTGTCACTATCACTATTAACCATGTTAATGCTTT[C>A]TTTCTAGGGCTGACTGCAGTTGGTGGGTTGGCACTGATGGGAGGACATTTGTATCCTTCC-3'

ClinVar aggregate classification (germline): Likely benign (0 of 4 stars; one submission).

Conditions:
NNT-related disorder. Also called: NNT-related condition.

Allele frequency attached by ClinVar (database versions not stated): ExAC 0.00002; gnomAD exomes 0.00003; TOPMed 0.00003; gnomAD 0.00005.

Submission:

PreventionGenetics, part of Exact Sciences
Classification: Likely benign for NNT-related condition. Last evaluated: 2019-05-02. Review status: no assertion criteria provided. Collection method: clinical testing. Allele origin: germline.
Comment: This variant is classified as likely benign based on ACMG/AMP sequence variant interpretation guidelines (Richards et al. 2015 PMID: 25741868, with internal and published modifications).